The following is an entry in ClinVar:

NM_000393.5(COL5A2):c.3193G>A (p.Gly1065Arg)

Gene: COL5A2 (collagen type V alpha 2 chain; minus strand). Cytogenetic location: 2q32.2.
Variant type: single nucleotide variant.
Coding change: c.3193G>A on transcript NM_000393.5 (MANE Select); coding-DNA position 3193, G replaced by A.
Protein change: p.Gly1065Arg; replaces glycine 1065 with arginine.
Molecular consequence: missense variant.
Genome position (GRCh38, 1-based): chr2:189,048,217, C>T on the plus strand (G>A on the coding strand, the complement: COL5A2 is on the minus strand). VCF-style: chr2-189048217-C-T. GRCh37 (hg19) VCF-style: chr2-189912943-C-T.
Other names: short protein forms G1065R.
Identifiers: ClinVar variation 4798678 (VCV004798678.1).

ClinVar aggregate classification (germline): Uncertain significance (1 of 4 stars; one submission).

Conditions:
Ehlers-Danlos syndrome, classic type, 1 (EDSCL1). Also called: EHLERS-DANLOS SYNDROME, GRAVIS TYPE; EHLERS-DANLOS SYNDROME, SEVERE CLASSIC TYPE; Ehlers-Danlos syndrome, type 1; Ehlers-Danlos Syndrome, Classic Type, COL5A1-Related; EDS I. Identifiers: MedGen C0268335, MONDO:0019567, OMIM 130000.

Submission:

Labcorp Genetics (formerly Invitae), Labcorp
Classification: Uncertain significance for Ehlers-Danlos syndrome, classic type, 1. Last evaluated: 2026-01-27. Review status: criteria provided, single submitter. Criteria: Invitae Variant Classification Sherloc (09022015). Collection method: clinical testing. Allele origin: germline.
Comment: This sequence change replaces glycine, which is neutral and non-polar, with arginine, which is basic and polar, at codon 1065 of the COL5A2 protein (p.Gly1065Arg). This variant is not present in population databases (gnomAD no frequency). This variant has not been reported in the literature in individuals affected with COL5A2-related conditions. Invitae Evidence Modeling of protein sequence and biophysical properties (such as structural, functional, and spatial information, amino acid conservation, physicochemical variation, residue mobility, and thermodynamic stability) indicates that this missense variant is expected to disrupt COL5A2 protein function with a positive predictive value of 80%. In summary, the available evidence is currently insufficient to determine the role of this variant in disease. Therefore, it has been classified as a Variant of Uncertain Significance.